The following is an entry in ClinVar:

ClinVar aggregate classification (germline): Uncertain significance (1 of 4 stars; one submission).

Conditions:
Inborn genetic diseases. Identifiers: MedGen C0950123, MeSH D030342.

Allele frequency attached by ClinVar (database versions not stated): gnomAD exomes 0.00001.
gnomAD v4.1: 8 of 1,614,058 alleles (0.0005%); highest among the groups gnomAD compares: African/African-American, 0.0013%; no homozygotes.

Submission:

Ambry Genetics
Classification: Uncertain significance for Inborn genetic diseases. Last evaluated: 2022-01-01. Review status: criteria provided, single submitter. Criteria: Ambry Variant Classification Scheme 2023. Collection method: clinical testing. Allele origin: germline.
Comment: The p.M657I variant (also known as c.1971G>A), located in coding exon 21 of the ERCC2 gene, results from a G to A substitution at nucleotide position 1971. The methionine at codon 657 is replaced by isoleucine, an amino acid with highly similar properties. This amino acid position is conserved. In addition, this alteration is predicted to be deleterious by in silico analysis. Since supporting evidence is limited at this time, the clinical significance of this alteration remains unclear.

NM_000400.4(ERCC2):c.1971G>A (p.Met657Ile)

Gene: ERCC2 (ERCC excision repair 2, TFIIH core complex helicase subunit; minus strand). Cytogenetic location: 19q13.32.
Variant type: single nucleotide variant.
Coding change: c.1971G>A on transcript NM_000400.4 (MANE Select); coding-DNA position 1971, G replaced by A.
Protein change: p.Met657Ile; replaces methionine 657 with isoleucine.
Molecular consequence: missense variant.
Genome position (GRCh38, 1-based): chr19:45,352,581, C>T on the plus strand (G>A on the coding strand, the complement: ERCC2 is on the minus strand). VCF-style: chr19-45352581-C-T. GRCh37 (hg19) VCF-style: chr19-45855839-C-T.
Other names: short protein forms M657I.
Identifiers: ClinVar variation 1783632 (VCV001783632.2), dbSNP rs2513999394, ClinGen allele CA406363221.